The following is an entry in ClinVar:

NM_005732.4(RAD50):c.210del (p.Lys71fs)

Gene: RAD50 (RAD50 double strand break repair protein; plus strand). Cytogenetic location: 5q31.1.
Variant type: Deletion.
Coding change: c.210del on transcript NM_005732.4 (MANE Select); coding-DNA position 210, one base deleted (C; older notation c.210delC).
Protein change: p.Lys71fs; shifts the reading frame from lysine 71.
Molecular consequence: frameshift variant.
Genome position (GRCh38, 1-based): chr5:132,559,364, C deleted; the last of 3 consecutive C bases (chr5:132,559,362-132,559,364); deleting any one gives the same sequence. VCF-style (leftmost placement, unchanged base first): chr5-132559361-TC-T. GRCh37 (hg19) VCF-style: chr5-131895053-TC-T.
Other names: short protein forms K71fs.
Identifiers: ClinVar variation 1786066 (VCV001786066.2), dbSNP rs2479579838, ClinGen allele CA2580072691.
Genomic context (GRCh38, chr5:132,559,361, plus strand): 5'-AAAATATATTTGTACTGGAGATTTCCCTCCTGGAACCAAAGGAAATACATTTGTACACGA[TC>T]CCAAGGTAATGGTGCTAGTACAATTTTGTATTTTTATAATTATAAAAATGATAATAGCTT-3'

ClinVar aggregate classification (germline): Pathogenic (1 of 4 stars; one submission).

Conditions:
Hereditary cancer-predisposing syndrome. Also called: Neoplastic Syndromes, Hereditary; Tumor predisposition; Hereditary Cancer Syndrome; Hereditary neoplastic syndrome. Identifiers: Orphanet 140162, MedGen C0027672, MeSH D009386, MONDO:0015356.

Submission:

Ambry Genetics
Classification: Pathogenic for Hereditary cancer-predisposing syndrome. Last evaluated: 2015-11-16. Review status: criteria provided, single submitter. Criteria: Ambry Variant Classification Scheme 2023. Collection method: clinical testing. Allele origin: germline.
Comment: The c.210delC pathogenic mutation, located in coding exon 2 of the RAD50 gene, results from a deletion of one nucleotide at nucleotide position 210, causing a translational frameshift with a predicted alternate stop codon. Since frameshifts are typically deleterious in nature, this alteration is interpreted as a disease-causing mutation (ACMG Recommendations for Standards for Interpretation and Reporting of Sequence Variations. Revision 2007. Genet Med. 2008;10:294).